The following is an entry in ClinVar:

NM_052947.4(ALPK2):c.2188C>T (p.Pro730Ser)

Gene: ALPK2 (alpha kinase 2; minus strand). Cytogenetic location: 18q21.31.
Variant type: single nucleotide variant.
Coding change: c.2188C>T on transcript NM_052947.4 (MANE Select); coding-DNA position 2188, C replaced by T.
Protein change: p.Pro730Ser; replaces proline 730 with serine.
Molecular consequence: missense variant.
Genome position (GRCh38, 1-based): chr18:58,537,999, G>A on the plus strand (C>T on the coding strand, the complement: ALPK2 is on the minus strand). VCF-style: chr18-58537999-G-A. GRCh37 (hg19) VCF-style: chr18-56205231-G-A.
Other names: short protein forms P730S.
Identifiers: ClinVar variation 1787365 (VCV001787365.2), dbSNP rs759988060, ClinGen allele CA402571313.

ClinVar aggregate classification (germline): Uncertain significance (1 of 4 stars; one submission).

Submission:

Ambry Genetics
Classification: Uncertain significance. Last evaluated: 2022-04-25. Review status: criteria provided, single submitter. Criteria: Ambry Variant Classification Scheme 2023. Collection method: clinical testing. Allele origin: germline.
Comment: The p.P730S variant (also known as c.2188C>T), located in coding exon 4 of the ALPK2 gene, results from a C to T substitution at nucleotide position 2188. The proline at codon 730 is replaced by serine, an amino acid with similar properties. This amino acid position is conserved. In addition, this alteration is predicted to be tolerated by in silico analysis. Since supporting evidence is limited at this time, the clinical significance of this alteration remains unclear.